The following is an entry in ClinVar:

NM_000245.4(MET):c.3752C>A (p.Ala1251Asp)

Gene: MET (MET proto-oncogene, receptor tyrosine kinase; plus strand). Cytogenetic location: 7q31.2.
Variant type: single nucleotide variant.
Coding change: c.3752C>A on transcript NM_000245.4 (MANE Select); coding-DNA position 3752, C replaced by A.
Protein change: p.Ala1251Asp; replaces alanine 1251 with aspartic acid.
Molecular consequence: missense variant.
Genome position (GRCh38, 1-based): chr7:116,783,423, C>A. VCF-style: chr7-116783423-C-A. GRCh37 (hg19) VCF-style: chr7-116423477-C-A.
Other names: c.3806C>A, p.Ala1269Asp (NM_001127500.3); c.2462C>A, p.Ala821Asp (NM_001324402.2); short protein forms A1269D, A1251D, A821D.
Identifiers: ClinVar variation 5024377 (VCV005024377.1).

ClinVar aggregate classification (germline): Uncertain significance (1 of 4 stars; one submission).

Conditions:
Hereditary cancer-predisposing syndrome. Also called: Neoplastic Syndromes, Hereditary; Tumor predisposition; Hereditary neoplastic syndrome; Hereditary Cancer Syndrome. Identifiers: Orphanet 140162, MedGen C0027672, MeSH D009386, MONDO:0015356.

Submission:

Ambry Genetics
Classification: Uncertain significance for Hereditary cancer-predisposing syndrome. Last evaluated: 2026-07-07. Review status: criteria provided, single submitter. Criteria: Ambry Variant Classification Scheme 2023. Collection method: clinical testing. Allele origin: germline.
Comment: The p.A1251D variant (also known as c.3752C>A), located in coding exon 18 of the MET gene, results from a C to A substitution at nucleotide position 3752. The alanine at codon 1251 is replaced by aspartic acid, an amino acid with dissimilar properties. This amino acid position is conserved. In addition, this alteration is predicted to be deleterious by in silico analysis. Based on the available evidence, the clinical significance of this variant remains unclear.